The following is an entry in ClinVar:

ClinVar aggregate classification (germline): Uncertain significance (1 of 4 stars; one submission).

Conditions:
PKD1-related disorder. Also called: PKD1-related condition.

gnomAD v4.1: 2 of 1,236,516 alleles (0.00016%); highest among the groups gnomAD compares: South Asian, 0.0013%; no homozygotes.

Submission:

PreventionGenetics, part of Exact Sciences
Classification: Uncertain significance for PKD1-related condition. Last evaluated: 2026-01-20. Review status: criteria provided, single submitter. Criteria: ACMG Guidelines, 2015. Collection method: clinical testing. Allele origin: germline.
Comment: The PKD1 c.566C>T variant is predicted to result in the amino acid substitution p.Ser189Leu. To our knowledge, this variant has not been reported in the literature or in a large population database (gnomAD), indicating this variant is rare. At this time, the clinical significance of this variant is uncertain due to the absence of conclusive functional and genetic evidence.

NM_001009944.3(PKD1):c.566C>T (p.Ser189Leu)

Gene: PKD1 (polycystin 1, transient receptor potential channel interacting; minus strand). Cytogenetic location: 16p13.3.
Variant type: single nucleotide variant.
Coding change: c.566C>T on transcript NM_001009944.3 (MANE Select); coding-DNA position 566, C replaced by T.
Protein change: p.Ser189Leu; replaces serine 189 with leucine.
Molecular consequence: missense variant.
Genome position (GRCh38, 1-based): chr16:2,118,426, G>A on the plus strand (C>T on the coding strand, the complement: PKD1 is on the minus strand). VCF-style: chr16-2118426-G-A. GRCh37 (hg19) VCF-style: chr16-2168427-G-A.
Other names: c.566C>T, p.Ser189Leu (NM_000296.4); short protein forms S189L.
Identifiers: ClinVar variation 4985428 (VCV004985428.1).
Genomic context (GRCh38, chr16:2,118,426, plus strand): 5'-GCCTCTGGCTGAAGCAGGCCTTCGTGGGCAGCTGAAAAGGACACTGCTGCCACGGTGCCT[G>A]AGCTGTTGTCAGGGAGGCAGGCGACATACTCCTCACCTAGAAGAGGCAGCCACTGGACCC-3'
Protein context (NP_001009944.3, residues 179-199): EYVACLPDNS[Ser189Leu]GTVAAVSFSA